The following is an entry in ClinVar:

ClinVar aggregate classification (germline): Uncertain significance. Review status: criteria provided, multiple submitters, no conflicts (2 of 4 stars). 2 submissions from 2 submitters: Uncertain significance (2). Last evaluated 2025-02-08.

Conditions:
Hereditary cancer-predisposing syndrome. Also called: Neoplastic Syndromes, Hereditary; Hereditary Cancer Syndrome; Hereditary neoplastic syndrome; Tumor predisposition. Identifiers: Orphanet 140162, MedGen C0027672, MeSH D009386, MONDO:0015356.
Bloom syndrome (BLM). Also called: Bloom-Torre-Machacek syndrome. Identifiers: Orphanet 125, MedGen C0005859, MONDO:0008876, OMIM 210900.

Submissions (2):

Ambry Genetics
Classification: Uncertain significance for Hereditary cancer-predisposing syndrome. Last evaluated: 2025-02-08. Review status: criteria provided, single submitter. Criteria: Ambry Variant Classification Scheme 2023. Collection method: clinical testing. Allele origin: germline.
Comment: The p.A311V variant (also known as c.932C>T), located in coding exon 3 of the BLM gene, results from a C to T substitution at nucleotide position 932. The alanine at codon 311 is replaced by valine, an amino acid with similar properties. This amino acid position is conserved. In addition, this alteration is predicted to be tolerated by in silico analysis. Based on the available evidence, the clinical significance of this variant remains unclear.

Labcorp Genetics (formerly Invitae), Labcorp
Classification: Uncertain significance for Bloom syndrome. Last evaluated: 2023-03-18. Review status: criteria provided, single submitter. Criteria: Invitae Variant Classification Sherloc (09022015). Collection method: clinical testing. Allele origin: germline.
Comment: In summary, the available evidence is currently insufficient to determine the role of this variant in disease. Therefore, it has been classified as a Variant of Uncertain Significance. Advanced modeling of protein sequence and biophysical properties (such as structural, functional, and spatial information, amino acid conservation, physicochemical variation, residue mobility, and thermodynamic stability) performed at Invitae indicates that this missense variant is not expected to disrupt BLM protein function. This variant has not been reported in the literature in individuals affected with BLM-related conditions. This variant is not present in population databases (gnomAD no frequency). This sequence change replaces alanine, which is neutral and non-polar, with valine, which is neutral and non-polar, at codon 311 of the BLM protein (p.Ala311Val).

NM_000057.4(BLM):c.932C>T (p.Ala311Val)

Gene: BLM (BLM RecQ like helicase; plus strand). Cytogenetic location: 15q26.1.
Variant type: single nucleotide variant.
Coding change: c.932C>T on transcript NM_000057.4 (MANE Select); coding-DNA position 932, C replaced by T.
Protein change: p.Ala311Val; replaces alanine 311 with valine.
Molecular consequence: missense variant. On other transcripts: 5 prime UTR variant (1).
Genome position (GRCh38, 1-based): chr15:90,751,919, C>T. VCF-style: chr15-90751919-C-T. GRCh37 (hg19) VCF-style: chr15-91295149-C-T.
Other names: c.932C>T, p.Ala311Val (NM_001287246.2, NM_001287247.2); c.-360C>T (NM_001287248.2); short protein forms A311V.
Identifiers: ClinVar variation 2846869 (VCV002846869.4), dbSNP rs2505400431, ClinGen allele CA393841909.
Genomic context (GRCh38, chr15:90,751,919, plus strand): 5'-TTGATGATGATGATTATGATACGGATTTTGTTCCACCTTCTCCAGAAGAAATTATTTCTG[C>T]TTCTTCTTCCTCTTCAAAATGCCTTAGGTAAACTAGCTAAATAATTAGCATTATTATTTG-3'
Protein context (NP_000048.1, residues 301-321): VPPSPEEIIS[Ala311Val]SSSSSKCLST